The following is an entry in ClinVar:

ClinVar aggregate classification (germline): Conflicting classifications of pathogenicity. Review status: criteria provided, conflicting classifications (1 of 4 stars). 2 submissions from 2 submitters: Uncertain significance (1); Likely benign (1). Last evaluated 2023-03-23.

Conditions:
Hereditary cancer-predisposing syndrome. Also called: Hereditary neoplastic syndrome; Tumor predisposition; Neoplastic Syndromes, Hereditary; Hereditary Cancer Syndrome. Identifiers: Orphanet 140162, MedGen C0027672, MeSH D009386, MONDO:0015356.
Hereditary breast ovarian cancer syndrome. Also called: Hereditary breast and ovarian cancer; Breast and ovarian cancer; BRCA1- and BRCA2-Associated Hereditary Breast and Ovarian Cancer; Hereditary breast and/or ovarian cancer syndrome; Hereditary breast and ovarian cancer syndrome; Hereditary breast and ovarian cancer syndrome (HBOC). Identifiers: Orphanet 145, MedGen C0677776, MeSH D061325, MONDO:0003582. Disease mechanism: loss of function.

Allele frequency attached by ClinVar (database versions not stated): gnomAD exomes below 0.00001.

Submissions (2):

University of Washington Department of Laboratory Medicine, University of Washington
Classification: Likely benign for Hereditary cancer-predisposing syndrome. Last evaluated: 2023-03-23. Review status: criteria provided, single submitter. Criteria: Dines et al. (Genet Med. 2020). Collection method: curation. Allele origin: germline.
Comment: Missense variant in a coldspot region where missense variants are very unlikely to be pathogenic (PMID:31911673).

BRCA2 exon 11 coldspot. Reclassification based on statistical prior probability.

Labcorp Genetics (formerly Invitae), Labcorp
Classification: Uncertain significance for Hereditary breast ovarian cancer syndrome. Last evaluated: 2022-12-20. Review status: criteria provided, single submitter. Criteria: Invitae Variant Classification Sherloc (09022015). Collection method: clinical testing. Allele origin: germline.
Comment: In summary, the available evidence is currently insufficient to determine the role of this variant in disease. Therefore, it has been classified as a Variant of Uncertain Significance. Advanced modeling of protein sequence and biophysical properties (such as structural, functional, and spatial information, amino acid conservation, physicochemical variation, residue mobility, and thermodynamic stability) performed at Invitae indicates that this missense variant is not expected to disrupt BRCA2 protein function. ClinVar contains an entry for this variant (Variation ID: 1504013). This variant has not been reported in the literature in individuals affected with BRCA2-related conditions. This variant is not present in population databases (gnomAD no frequency). This sequence change replaces cysteine, which is neutral and slightly polar, with arginine, which is basic and polar, at codon 738 of the BRCA2 protein (p.Cys738Arg).

NM_000059.4(BRCA2):c.2212T>C (p.Cys738Arg)

Gene: BRCA2 (BRCA2 DNA repair associated; plus strand). Cytogenetic location: 13q13.1.
Variant type: single nucleotide variant.
Coding change: c.2212T>C on transcript NM_000059.4 (MANE Select); coding-DNA position 2212, T replaced by C.
Protein change: p.Cys738Arg; replaces cysteine 738 with arginine.
Molecular consequence: missense variant.
Genome position (GRCh38, 1-based): chr13:32,336,567, T>C. VCF-style: chr13-32336567-T-C. GRCh37 (hg19) VCF-style: chr13-32910704-T-C.
Other names: short protein forms C738R.
Identifiers: ClinVar variation 1504013 (VCV001504013.7), dbSNP rs2137484294, ClinGen allele CA387770588.